The following is an entry in ClinVar:

ClinVar aggregate classification (germline): Uncertain significance (1 of 4 stars; one submission).

Conditions:
Hereditary cancer-predisposing syndrome. Also called: Neoplastic Syndromes, Hereditary; Tumor predisposition; Hereditary Cancer Syndrome; Hereditary neoplastic syndrome. Identifiers: Orphanet 140162, MedGen C0027672, MeSH D009386, MONDO:0015356.

Submission:

Ambry Genetics
Classification: Uncertain significance for Hereditary cancer-predisposing syndrome. Last evaluated: 2021-11-11. Review status: criteria provided, single submitter. Criteria: Ambry Variant Classification Scheme 2023. Collection method: clinical testing. Allele origin: germline.
Comment: The c.904-3T>C intronic variant results from a T to C substitution 3 nucleotides upstream from coding exon 7 in the DICER1 gene. This nucleotide position is well conserved in available vertebrate species. In silico splice site analysis predicts that this alteration will not have any significant effect on splicing; however, direct evidence is insufficient at this time (Ambry internal data). Since supporting evidence is limited at this time, the clinical significance of this alteration remains unclear.

NM_177438.3(DICER1):c.904-3T>C

Gene: DICER1 (dicer 1, ribonuclease III; minus strand). Cytogenetic location: 14q32.13.
Variant type: single nucleotide variant.
Coding change: c.904-3T>C on transcript NM_177438.3 (MANE Select); 3 bases into the intron before coding-DNA position 904, T replaced by C.
Molecular consequence: intron variant.
Genome position (GRCh38, 1-based): chr14:95,124,671, A>G on the plus strand (T>C on the coding strand, the complement: DICER1 is on the minus strand). VCF-style: chr14-95124671-A-G. GRCh37 (hg19) VCF-style: chr14-95591008-A-G.
Other names: c.904-3T>C (NM_001291628.2, NM_030621.4, NM_001395677.1 and 14 more transcripts); c.499-3T>C (NM_001395690.1, NM_001395687.1, NM_001395689.1 and 3 more transcripts); c.622-3T>C (NM_001395686.1); c.337-3T>C (NM_001395691.1); c.-665-3T>C (NM_001395697.1).
Identifiers: ClinVar variation 1765584 (VCV001765584.2), dbSNP rs2543188443, ClinGen allele CA2580089168.
Genomic context (GRCh38, chr14:95,124,671, plus strand): 5'-CTTTATCTGCACACCAGGGTCCCAGAACTACCAATACGGCACGACAGTCTGATAGTATCT[A>G]CAAAAAAAAGAAAAGAAAAAACCTAATGCCAAATAATAATAATGTAGCATTTTCATGTGG-3'